The following is an entry in ClinVar:

NM_182914.3(SYNE2):c.14298C>G (p.Thr4766=)

Gene: SYNE2 (spectrin repeat containing nuclear envelope protein 2; plus strand). Cytogenetic location: 14q23.2.
Variant type: single nucleotide variant.
Coding change: c.14298C>G on transcript NM_182914.3 (MANE Select); coding-DNA position 14298, C replaced by G.
Protein change: p.Thr4766=; no amino-acid change (threonine 4766 retained).
Molecular consequence: synonymous variant.
Genome position (GRCh38, 1-based): chr14:64,130,206, C>G. VCF-style: chr14-64130206-C-G. GRCh37 (hg19) VCF-style: chr14-64596924-C-G.
Other names: c.14298C>G, p.Thr4766= (NM_015180.6).
Identifiers: ClinVar variation 882919 (VCV000882919.8), dbSNP rs779655754, ClinGen allele CA7222735.

ClinVar aggregate classification (germline): Likely benign. Review status: criteria provided, multiple submitters, no conflicts (2 of 4 stars). 2 submissions from 2 submitters: Likely benign (2). Last evaluated 2024-09-21.

Conditions:
Emery-Dreifuss muscular dystrophy 5, autosomal dominant (EDMD5). Also called: EMERY-DREIFUSS MUSCULAR DYSTROPHY 5. Identifiers: Orphanet 261, MedGen C2751805, MONDO:0013072, OMIM 612999.

Allele frequency attached by ClinVar (database versions not stated): ExAC 0.00003; gnomAD exomes 0.00003 and 0.00022; TOPMed 0.00004; gnomAD 0.00005.
gnomAD v4.1: 321 of 1,613,642 alleles (0.02%); highest among the groups gnomAD compares: Non-Finnish European, 0.026%; no homozygotes.

Submissions (2):

Labcorp Genetics (formerly Invitae), Labcorp
Classification: Likely benign for Emery-Dreifuss muscular dystrophy 5, autosomal dominant. Last evaluated: 2024-09-21. Review status: criteria provided, single submitter. Criteria: Invitae Variant Classification Sherloc (09022015). Collection method: clinical testing. Allele origin: germline.

Illumina Laboratory Services, Illumina
Classification: Likely benign for Emery-Dreifuss muscular dystrophy 5, autosomal dominant. Last evaluated: 2018-01-13. Review status: criteria provided, single submitter. Criteria: ICSL Variant Classification Criteria 13 December 2019. Collection method: clinical testing. Allele origin: germline.
Comment: This variant was observed in the ICSL laboratory as part of a predisposition screen in an ostensibly healthy population. It had not been previously curated by ICSL or reported in the Human Gene Mutation Database (HGMD: prior to June 1st, 2018), and was therefore a candidate for classification through an automated scoring system. Utilizing variant allele frequency, disease prevalence and penetrance estimates, and inheritance mode, an automated score was calculated to assess if this variant is too frequent to cause the disease. Based on the score and internal cut-off values, a variant classified as likely benign is not then subjected to further curation. The score for this variant resulted in a classification of likely benign for this disease.